The following is an entry in ClinVar:

NM_000081.4(LYST):c.7183T>A (p.Cys2395Ser)

Gene: LYST (lysosomal trafficking regulator; minus strand). Cytogenetic location: 1q42.3.
Variant type: single nucleotide variant.
Coding change: c.7183T>A on transcript NM_000081.4 (MANE Select); coding-DNA position 7183, T replaced by A.
Protein change: p.Cys2395Ser; replaces cysteine 2395 with serine.
Molecular consequence: missense variant.
Genome position (GRCh38, 1-based): chr1:235,755,524, A>T on the plus strand (T>A on the coding strand, the complement: LYST is on the minus strand). VCF-style: chr1-235755524-A-T. GRCh37 (hg19) VCF-style: chr1-235918824-A-T.
Other names: c.7183T>A, p.Cys2395Ser (NM_001301365.1); short protein forms C2395S.
Identifiers: ClinVar variation 3714905 (VCV003714905.2).

ClinVar aggregate classification (germline): Uncertain significance (1 of 4 stars; one submission).

Conditions:
Chédiak-Higashi syndrome (CHS). Also called: Chediak-Higashi Syndrome. Identifiers: Orphanet 167, MedGen C0007965, MONDO:0008963, OMIM 214500.

Submission:

Labcorp Genetics (formerly Invitae), Labcorp
Classification: Uncertain significance for Chédiak-Higashi syndrome. Last evaluated: 2024-10-17. Review status: criteria provided, single submitter. Criteria: Invitae Variant Classification Sherloc (09022015). Collection method: clinical testing. Allele origin: germline.
Comment: This sequence change replaces cysteine, which is neutral and slightly polar, with serine, which is neutral and polar, at codon 2395 of the LYST protein (p.Cys2395Ser). This variant is not present in population databases (gnomAD no frequency). This variant has not been reported in the literature in individuals affected with LYST-related conditions. Invitae Evidence Modeling of protein sequence and biophysical properties (such as structural, functional, and spatial information, amino acid conservation, physicochemical variation, residue mobility, and thermodynamic stability) indicates that this missense variant is not expected to disrupt LYST protein function with a negative predictive value of 80%. In summary, the available evidence is currently insufficient to determine the role of this variant in disease. Therefore, it has been classified as a Variant of Uncertain Significance.